The following is an entry in ClinVar:

NM_004733.4(SLC33A1):c.319A>G (p.Thr107Ala)

Gene: SLC33A1 (solute carrier family 33 member 1; minus strand). Cytogenetic location: 3q25.31.
Variant type: single nucleotide variant.
Coding change: c.319A>G on transcript NM_004733.4 (MANE Select); coding-DNA position 319, A replaced by G.
Protein change: p.Thr107Ala; replaces threonine 107 with alanine.
Molecular consequence: missense variant.
Genome position (GRCh38, 1-based): chr3:155,853,679, T>C on the plus strand (A>G on the coding strand, the complement: SLC33A1 is on the minus strand). VCF-style: chr3-155853679-T-C. GRCh37 (hg19) VCF-style: chr3-155571468-T-C.
Other names: c.319A>G, p.Thr107Ala (NM_001190992.2, NM_001363883.1); short protein forms T107A.
Identifiers: ClinVar variation 2163769 (VCV002163769.4), dbSNP rs777256284, ClinGen allele CA2677429.
Genomic context (GRCh38, chr3:155,853,679, plus strand): 5'-GGGCCCAGAGTAATTTGAGACTGAAGGGCCAAAAGACAAAACTGAAGAAAGCTTGGTCTG[T>C]ATAGCTAACATTTTTGCTTTGCAAAATGAGTGGGATGCTTCCCGCCAAGCCCAGGGGAAT-3'
Protein context (NP_004724.1, residues 97-117): LILQSKNVSY[Thr107Ala]DQAFFSFVFW

ClinVar aggregate classification (germline): Uncertain significance (1 of 4 stars; one submission).

Conditions:
Spastic paraplegia. Identifiers: MedGen C0037772, HP:0001258.

Allele frequency attached by ClinVar (database versions not stated): TOPMed below 0.00001; gnomAD 0.00001; gnomAD exomes 0.00001; ExAC 0.00002.
gnomAD v4.1: 5 of 1,614,034 alleles (0.00031%); highest among the groups gnomAD compares: Admixed American, 0.0083%; no homozygotes.

Submission:

Labcorp Genetics (formerly Invitae), Labcorp
Classification: Uncertain significance for Spastic paraplegia. Last evaluated: 2022-11-08. Review status: criteria provided, single submitter. Criteria: Invitae Variant Classification Sherloc (09022015). Collection method: clinical testing. Allele origin: germline.
Comment: In summary, the available evidence is currently insufficient to determine the role of this variant in disease. Therefore, it has been classified as a Variant of Uncertain Significance. Advanced modeling of protein sequence and biophysical properties (such as structural, functional, and spatial information, amino acid conservation, physicochemical variation, residue mobility, and thermodynamic stability) performed at Invitae indicates that this missense variant is not expected to disrupt SLC33A1 protein function. This variant has not been reported in the literature in individuals affected with SLC33A1-related conditions. This variant is present in population databases (rs777256284, gnomAD 0.009%). This sequence change replaces threonine, which is neutral and polar, with alanine, which is neutral and non-polar, at codon 107 of the SLC33A1 protein (p.Thr107Ala).